The following is an entry in ClinVar:

NM_173551.5(ANKS6):c.1913C>T (p.Ser638Leu)

Genes: ANKS6 (ankyrin repeat and sterile alpha motif domain containing 6; minus strand), LOC124310614 (Sharpr-MPRA regulatory region 9654; plus strand). Cytogenetic location: 9q22.33.
Variant type: single nucleotide variant.
Coding change: c.1913C>T on transcript NM_173551.5 (MANE Select); coding-DNA position 1913, C replaced by T.
Protein change: p.Ser638Leu; replaces serine 638 with leucine.
Molecular consequence: missense variant.
Genome position (GRCh38, 1-based): chr9:98,770,955, G>A on the plus strand (C>T on the coding strand, the complement: ANKS6 is on the minus strand). VCF-style: chr9-98770955-G-A. GRCh37 (hg19) VCF-style: chr9-101533237-G-A.
Other names: c.1913C>T (NM_173551.3); short protein forms S638L.
Identifiers: ClinVar variation 474446 (VCV000474446.10), dbSNP rs200373053, ClinGen allele CA5153326.
Genomic context (GRCh38, chr9:98,770,955, plus strand): 5'-CCTGAGCGGTTAAGCAGCTCCCCACCGTGCCGGCTCACACCTACCCCACTGGAGCCGCCC[G>A]ATGAATGAGGCGAGTGGTTGAAGTTTCCAGAATTGGCAGAAGAGGCTGGGCTTCTGGGGA-3'
Protein context (NP_775822.3, residues 628-648): SGNFNHSPHS[Ser638Leu]GGSSGVGVSR

ClinVar aggregate classification (germline): Uncertain significance. Review status: criteria provided, multiple submitters, no conflicts (2 of 4 stars). 4 submissions from 4 submitters: Uncertain significance (4). Last evaluated 2026-09-01.

Conditions:
Inborn genetic diseases. Identifiers: MedGen C0950123, MeSH D030342.
ANKS6-related disorder. Also called: ANKS6-related condition.
Nephronophthisis 16 (NPHP16). Identifiers: Orphanet 655, MedGen C3809320, MONDO:0014158, OMIM 615382.

Allele frequency attached by ClinVar (database versions not stated): gnomAD exomes 0.00002; ExAC 0.00003; gnomAD 0.00005 and 0.00006; TOPMed 0.00007; 1000 Genomes Project 30x 0.00016; 1000 Genomes Project 0.00020.
gnomAD v4.1: 32 of 1,595,688 alleles (0.002%); highest among the groups gnomAD compares: African/African-American, 0.0094%; no homozygotes.

Submissions (4):

PreventionGenetics, part of Exact Sciences
Classification: Uncertain significance for ANKS6-related condition. Last evaluated: 2026-09-01. Review status: criteria provided, single submitter. Criteria: ACMG Guidelines, 2015. Collection method: clinical testing. Allele origin: germline.
Comment: The ANKS6 c.1913C>T variant is predicted to result in the amino acid substitution p.Ser638Leu. To our knowledge, this variant has not been reported in the literature. This variant is reported in 0.0061% of alleles in individuals of East Asian descent in gnomAD. At this time, the clinical significance of this variant is uncertain due to the absence of conclusive functional and genetic evidence.

Fulgent Genetics
Classification: Uncertain significance for Nephronophthisis 16. Last evaluated: 2024-04-13. Review status: criteria provided, single submitter. Criteria: ACMG Guidelines, 2015. Collection method: clinical testing. Allele origin: germline.

Ambry Genetics
Classification: Uncertain significance for Inborn genetic diseases. Last evaluated: 2023-05-09. Review status: criteria provided, single submitter. Criteria: Ambry Variant Classification Scheme 2023. Collection method: clinical testing. Allele origin: germline.

Labcorp Genetics (formerly Invitae), Labcorp
Classification: Uncertain significance for Nephronophthisis 16. Last evaluated: 2021-09-02. Review status: criteria provided, single submitter. Criteria: Invitae Variant Classification Sherloc (09022015). Collection method: clinical testing. Allele origin: germline.
Comment: This sequence change replaces serine with leucine at codon 638 of the ANKS6 protein (p.Ser638Leu). The serine residue is highly conserved and there is a large physicochemical difference between serine and leucine. This variant is present in population databases (rs200373053, ExAC 0.01%). This variant has not been reported in the literature in individuals affected with ANKS6-related conditions. Algorithms developed to predict the effect of missense changes on protein structure and function are either unavailable or do not agree on the potential impact of this missense change (SIFT: "Deleterious"; PolyPhen-2: "Probably Damaging"; Align-GVGD: "Class C0"). In summary, the available evidence is currently insufficient to determine the role of this variant in disease. Therefore, it has been classified as a Variant of Uncertain Significance.